The following is an entry in ClinVar:

NM_002485.5(NBN):c.1124+1G>C

Gene: NBN (nibrin; minus strand). Cytogenetic location: 8q21.3.
Variant type: single nucleotide variant.
Coding change: c.1124+1G>C on transcript NM_002485.5 (MANE Select); the canonical splice donor site of the intron after coding-DNA position 1124, G replaced by C.
Molecular consequence: splice donor variant.
Genome position (GRCh38, 1-based): chr8:89,958,724, C>G on the plus strand (G>C on the coding strand, the complement: NBN is on the minus strand). VCF-style: chr8-89958724-C-G. GRCh37 (hg19) VCF-style: chr8-90970952-C-G.
Other names: c.878+1G>C (NM_001024688.3).
Identifiers: ClinVar variation 483970 (VCV000483970.14), dbSNP rs1057517209, ClinGen allele CA371656555.

ClinVar aggregate classification (germline): Likely pathogenic. Review status: criteria provided, multiple submitters, no conflicts (2 of 4 stars). 2 submissions from 2 submitters: Likely pathogenic (2). Last evaluated 2023-09-10.

Conditions:
Hereditary cancer-predisposing syndrome. Also called: Hereditary neoplastic syndrome; Neoplastic Syndromes, Hereditary; Tumor predisposition; Hereditary Cancer Syndrome. Identifiers: Orphanet 140162, MedGen C0027672, MeSH D009386, MONDO:0015356.
Microcephaly, normal intelligence and immunodeficiency (NBS). Also called: IMMUNODEFICIENCY, MICROCEPHALY, AND CHROMOSOMAL INSTABILITY; SEEMANOVA SYNDROME II; Nijmegen breakage syndrome; Microcephaly with normal intelligence immunodeficiency and lymphoreticular malignancies; Nonsyndromal microcephaly autosomal recessive with normal intelligence; Seemanova syndrome 2. Identifiers: Orphanet 647, MedGen C0398791, MONDO:0009623, OMIM 251260.

gnomAD v4.1: 2 of 1,613,690 alleles (0.00012%); highest among the groups gnomAD compares: Non-Finnish European, 0.000085%; no homozygotes.

Submissions (2):

Labcorp Genetics (formerly Invitae), Labcorp
Classification: Likely pathogenic for Microcephaly, normal intelligence and immunodeficiency. Last evaluated: 2023-09-10. Review status: criteria provided, single submitter. Criteria: Invitae Variant Classification Sherloc (09022015). Collection method: clinical testing. Allele origin: germline.
Comment: In summary, the currently available evidence indicates that the variant is pathogenic, but additional data are needed to prove that conclusively. Therefore, this variant has been classified as Likely Pathogenic. Algorithms developed to predict the effect of sequence changes on RNA splicing suggest that this variant may disrupt the consensus splice site. ClinVar contains an entry for this variant (Variation ID: 483970). Disruption of this splice site has been observed in individual(s) with diffuse gastric cancer (PMID: 29706558). This variant is not present in population databases (gnomAD no frequency). This sequence change affects a donor splice site in intron 9 of the NBN gene. It is expected to disrupt RNA splicing. Variants that disrupt the donor or acceptor splice site typically lead to a loss of protein function (PMID: 16199547), and loss-of-function variants in NBN are known to be pathogenic (PMID: 9590180, 16415040).

Ambry Genetics
Classification: Likely pathogenic for Hereditary cancer-predisposing syndrome. Last evaluated: 2023-03-02. Review status: criteria provided, single submitter. Criteria: Ambry Variant Classification Scheme 2023. Collection method: clinical testing. Allele origin: germline.
Comment: The c.1124+1G>C intronic variant results from a G to C substitution one nucleotide after coding exon 9 of the NBN gene. This nucleotide position is highly conserved in available vertebrate species. Alterations that disrupt the canonical splice site are expected to cause aberrant splicing, resulting in an abnormal protein or a transcript that is subject to nonsense-mediated mRNA decay. As such, this alteration is classified as likely pathogenic.

Literature cited by the submitters: PubMed 29706558 (cited by Labcorp Genetics (formerly Invitae), Labcorp); PubMed 16199547 (cited by Labcorp Genetics (formerly Invitae), Labcorp); PubMed 9590180 (cited by Labcorp Genetics (formerly Invitae), Labcorp); PubMed 16415040 (cited by Labcorp Genetics (formerly Invitae), Labcorp).